The following is an entry in ClinVar:

NM_000302.4(PLOD1):c.1256G>A (p.Trp419Ter)

Gene: PLOD1 (procollagen-lysine,2-oxoglutarate 5-dioxygenase 1; plus strand). Cytogenetic location: 1p36.22.
Variant type: single nucleotide variant.
Coding change: c.1256G>A on transcript NM_000302.4 (MANE Select); coding-DNA position 1256, G replaced by A.
Protein change: p.Trp419Ter; replaces tryptophan 419 with a stop codon.
Molecular consequence: nonsense.
Genome position (GRCh38, 1-based): chr1:11,964,228, G>A. VCF-style: chr1-11964228-G-A. GRCh37 (hg19) VCF-style: chr1-12024285-G-A.
Other names: c.1397G>A, p.Trp466Ter (NM_001316320.2); short protein forms W419*, W466*.
Identifiers: ClinVar variation 2829883 (VCV002829883.3), dbSNP rs2522852329, ClinGen allele CA338441293.
Genomic context (GRCh38, chr1:11,964,228, plus strand): 5'-CCCTCAGGAACGTCATTGCCCCGCTGATGACCCGGCATGGGAGGCTGTGGTCGAACTTCT[G>A]GGGGGCTCTCAGTGCAGATGGCTACTATGCCCGTTCCGAGGACTACGTGGACATTGTGCA-3'

ClinVar aggregate classification (germline): Pathogenic (1 of 4 stars; one submission).

Conditions:
Ehlers-Danlos syndrome, kyphoscoliotic type 1 (EDSKSCL1). Also called: EHLERS-DANLOS SYNDROME, TYPE VIA; Ehlers-Danlos syndrome, hydroxylysine-deficient; EHLERS-DANLOS SYNDROME, OCULAR-SCOLIOTIC TYPE; PLOD1-Related Kyphoscoliotic Ehlers-Danlos Syndrome. Identifiers: Orphanet 1900, MedGen C0268342, MONDO:0016002, OMIM 225400. Disease mechanism: loss of function.

Submission:

Labcorp Genetics (formerly Invitae), Labcorp
Classification: Pathogenic for Ehlers-Danlos syndrome, kyphoscoliotic type 1. Last evaluated: 2023-01-18. Review status: criteria provided, single submitter. Criteria: Invitae Variant Classification Sherloc (09022015). Collection method: clinical testing. Allele origin: germline.
Comment: For these reasons, this variant has been classified as Pathogenic. This variant has not been reported in the literature in individuals affected with PLOD1-related conditions. This variant is not present in population databases (gnomAD no frequency). This sequence change creates a premature translational stop signal (p.Trp419*) in the PLOD1 gene. It is expected to result in an absent or disrupted protein product. Loss-of-function variants in PLOD1 are known to be pathogenic (PMID: 10874315, 21699693).

Literature cited by the submitters: PubMed 10874315; PubMed 21699693.